The following is an entry in ClinVar:

ClinVar aggregate classification (germline): Uncertain significance (1 of 4 stars; one submission).

gnomAD v4.1: 1 of 1,611,350 alleles (0.000062%); highest among the groups gnomAD compares: Non-Finnish European, 0.000085%; no homozygotes.

Submission:

GeneDx
Classification: Uncertain significance. Last evaluated: 2024-11-13. Review status: criteria provided, single submitter. Criteria: GeneDx Variant Classification Process June 2021. Collection method: clinical testing. Allele origin: germline. Affected: yes.
Comment: Not observed at significant frequency in large population cohorts (gnomAD); In silico analysis indicates that this missense variant does not alter protein structure/function; Has not been previously published as pathogenic or benign to our knowledge; This variant is associated with the following publications: (PMID: 27535533)

NM_001371928.1(AHDC1):c.2779G>C (p.Ala927Pro)

Gene: AHDC1 (AT-hook DNA binding motif containing 1; minus strand). Cytogenetic location: 1p36.11.
Variant type: single nucleotide variant.
Coding change: c.2779G>C on transcript NM_001371928.1 (MANE Select); coding-DNA position 2779, G replaced by C.
Protein change: p.Ala927Pro; replaces alanine 927 with proline.
Molecular consequence: missense variant.
Genome position (GRCh38, 1-based): chr1:27,549,337, C>G on the plus strand (G>C on the coding strand, the complement: AHDC1 is on the minus strand). VCF-style: chr1-27549337-C-G. GRCh37 (hg19) VCF-style: chr1-27875848-C-G.
Other names: c.2779G>C, p.Ala927Pro (NM_001029882.3); short protein forms A927P.
Identifiers: ClinVar variation 1328597 (VCV001328597.3), dbSNP rs2148274612, ClinGen allele CA339229728.
Genomic context (GRCh38, chr1:27,549,337, plus strand): 5'-GCTTGGGGAAGGTCTCGGCTGCCCGGCAGTCTGAAGCGGCTGGAGTTAGCCCATAGCTTG[C>G]TGCTCGTCCTGGTGGGAAGGTCTGGCGCGCGGACAGGACAGGCTGAAAGGAGGGGTCCGC-3'
Protein context (NP_001358857.1, residues 917-937): ARQTFPPGRA[Ala927Pro]SYGLTPAASD